The following is an entry in ClinVar:

NM_001375567.1(FOCAD):c.926T>G (p.Val309Gly)

Gene: FOCAD (focadhesin; plus strand). Cytogenetic location: 9p21.3.
Variant type: single nucleotide variant.
Coding change: c.926T>G on transcript NM_001375567.1 (MANE Select); coding-DNA position 926, T replaced by G.
Protein change: p.Val309Gly; replaces valine 309 with glycine.
Molecular consequence: missense variant.
Genome position (GRCh38, 1-based): chr9:20,778,700, T>G. VCF-style: chr9-20778700-T-G. GRCh37 (hg19) VCF-style: chr9-20778699-T-G.
Other names: c.926T>G, p.Val309Gly (NM_001375568.1, NM_017794.5); c.821T>G, p.Val274Gly (NM_001375570.1); short protein forms V274G, V309G.
Identifiers: ClinVar variation 3851156 (VCV003851156.2).

ClinVar aggregate classification (germline): Uncertain significance. Review status: criteria provided, multiple submitters, no conflicts (2 of 4 stars). 2 submissions from 2 submitters: Uncertain significance (2). Last evaluated 2025-04-17.

Conditions:
Inborn genetic diseases. Identifiers: MedGen C0950123, MeSH D030342.

gnomAD v4.1: 4 of 1,610,612 alleles (0.00025%); highest among the groups gnomAD compares: Non-Finnish European, 0.00034%; no homozygotes.

Submissions (2):

Labcorp Genetics (formerly Invitae), Labcorp
Classification: Uncertain significance. Last evaluated: 2025-04-17. Review status: criteria provided, single submitter. Criteria: Invitae Variant Classification Sherloc (09022015). Collection method: clinical testing. Allele origin: germline.
Comment: This sequence change replaces valine, which is neutral and non-polar, with glycine, which is neutral and non-polar, at codon 309 of the FOCAD protein (p.Val309Gly). This variant is present in population databases (rs761976043, gnomAD 0.002%). This variant has not been reported in the literature in individuals affected with FOCAD-related conditions. Experimental studies and prediction algorithms are not available or were not evaluated, and the functional significance of this variant is currently unknown. In summary, the available evidence is currently insufficient to determine the role of this variant in disease. Therefore, it has been classified as a Variant of Uncertain Significance.

Ambry Genetics
Classification: Uncertain significance for Inborn genetic diseases. Last evaluated: 2025-03-10. Review status: criteria provided, single submitter. Criteria: Ambry Variant Classification Scheme 2023. Collection method: clinical testing. Allele origin: germline.